The following is an entry in ClinVar:

ClinVar aggregate classification (germline): Conflicting classifications of pathogenicity. Review status: criteria provided, conflicting classifications (1 of 4 stars). 2 submissions from 2 submitters: Uncertain significance (1); Likely benign (1). Last evaluated 2025-03-17.

Conditions:
Inborn genetic diseases. Identifiers: MedGen C0950123, MeSH D030342.

Allele frequency attached by ClinVar (database versions not stated): ExAC 0.00003; gnomAD 0.00003; TOPMed 0.00004; gnomAD exomes 0.00012; ESP Exome Variant Server 0.00031.
gnomAD v4.1: 172 of 1,612,850 alleles (0.011%); highest among the groups gnomAD compares: Non-Finnish European, 0.013%; no homozygotes.

Submissions (2):

Labcorp Genetics (formerly Invitae), Labcorp
Classification: Uncertain significance. Last evaluated: 2025-03-17. Review status: criteria provided, single submitter. Criteria: Invitae Variant Classification Sherloc (09022015). Collection method: clinical testing. Allele origin: germline.
Comment: This sequence change replaces isoleucine, which is neutral and non-polar, with threonine, which is neutral and polar, at codon 695 of the CDK13 protein (p.Ile695Thr). This variant is present in population databases (rs145551468, gnomAD 0.004%). This variant has not been reported in the literature in individuals affected with CDK13-related conditions. ClinVar contains an entry for this variant (Variation ID: 2054520). Invitae Evidence Modeling of protein sequence and biophysical properties (such as structural, functional, and spatial information, amino acid conservation, physicochemical variation, residue mobility, and thermodynamic stability) has been performed for this missense variant. However, the output from this modeling did not meet the statistical confidence thresholds required to predict the impact of this variant on CDK13 protein function. In summary, the available evidence is currently insufficient to determine the role of this variant in disease. Therefore, it has been classified as a Variant of Uncertain Significance.

Ambry Genetics
Classification: Likely benign for Inborn genetic diseases. Last evaluated: 2022-08-08. Review status: criteria provided, single submitter. Criteria: Ambry Variant Classification Scheme 2023. Collection method: clinical testing. Allele origin: germline.

NM_003718.5(CDK13):c.2084T>C (p.Ile695Thr)

Gene: CDK13 (cyclin dependent kinase 13; plus strand). Cytogenetic location: 7p14.1.
Variant type: single nucleotide variant.
Coding change: c.2084T>C on transcript NM_003718.5 (MANE Select); coding-DNA position 2084, T replaced by C.
Protein change: p.Ile695Thr; replaces isoleucine 695 with threonine.
Molecular consequence: missense variant.
Genome position (GRCh38, 1-based): chr7:39,999,402, T>C. VCF-style: chr7-39999402-T-C. GRCh37 (hg19) VCF-style: chr7-40039001-T-C.
Other names: c.2084T>C, p.Ile695Thr (NM_031267.4); short protein forms I695T.
Identifiers: ClinVar variation 2054520 (VCV002054520.4), dbSNP rs145551468, ClinGen allele CA4228634.
Genomic context (GRCh38, chr7:39,999,402, plus strand): 5'-TTAGAACTATATTTGATAGAATATGTGGGCCTCGCTATGGTGAAACCAAAGAAAAAGATA[T>C]TGACTGGGGAAAACGCTGCGTGGATAAATTTGATATCATCGGAATTATTGGAGAAGGTAC-3'
Protein context (NP_003709.3, residues 685-705): PRYGETKEKD[Ile695Thr]DWGKRCVDKF